The following is an entry in ClinVar:

NM_199420.4(POLQ):c.671C>G (p.Ser224Cys)

Gene: POLQ (DNA polymerase theta; minus strand). Cytogenetic location: 3q13.33.
Variant type: single nucleotide variant.
Coding change: c.671C>G on transcript NM_199420.4 (MANE Select); coding-DNA position 671, C replaced by G.
Protein change: p.Ser224Cys; replaces serine 224 with cysteine.
Molecular consequence: missense variant.
Genome position (GRCh38, 1-based): chr3:121,537,169, G>C on the plus strand (C>G on the coding strand, the complement: POLQ is on the minus strand). VCF-style: chr3-121537169-G-C. GRCh37 (hg19) VCF-style: chr3-121256016-G-C.
Other names: short protein forms S224C.
Identifiers: ClinVar variation 2625819 (VCV002625819.2), dbSNP rs2546822782, ClinGen allele CA354090629.

ClinVar aggregate classification (germline): Uncertain significance (1 of 4 stars; one submission).

Submission:

Ambry Genetics
Classification: Uncertain significance. Last evaluated: 2023-06-29. Review status: criteria provided, single submitter. Criteria: Ambry Variant Classification Scheme 2023. Collection method: clinical testing. Allele origin: germline.
Comment: The p.S224C variant (also known as c.671C>G), located in coding exon 5 of the POLQ gene, results from a C to G substitution at nucleotide position 671. The serine at codon 224 is replaced by cysteine, an amino acid with dissimilar properties. This amino acid position is conserved. In addition, this alteration is predicted to be tolerated by in silico analysis. Since supporting evidence is limited at this time, the clinical significance of this alteration remains unclear.